The following is an entry in ClinVar:

NM_017838.4(NHP2):c.196G>A (p.Glu66Lys)

Gene: NHP2 (NHP2 ribonucleoprotein; minus strand). Cytogenetic location: 5q35.3.
Variant type: single nucleotide variant.
Coding change: c.196G>A on transcript NM_017838.4 (MANE Select); coding-DNA position 196, G replaced by A.
Protein change: p.Glu66Lys; replaces glutamic acid 66 with lysine.
Molecular consequence: missense variant.
Genome position (GRCh38, 1-based): chr5:178,153,525, C>T on the plus strand (G>A on the coding strand, the complement: NHP2 is on the minus strand). VCF-style: chr5-178153525-C-T. GRCh37 (hg19) VCF-style: chr5-177580526-C-T.
Other names: c.196G>A, p.Glu66Lys (NM_001034833.2, NM_001396110.1); short protein forms E66K.
Identifiers: ClinVar variation 2733343 (VCV002733343.3), dbSNP rs2480691048, ClinGen allele CA362392457.

ClinVar aggregate classification (germline): Uncertain significance (1 of 4 stars; one submission).

Conditions:
Dyskeratosis congenita. Identifiers: Orphanet 1775, MedGen C0265965, MONDO:0015780.

Submission:

Labcorp Genetics (formerly Invitae), Labcorp
Classification: Uncertain significance for Dyskeratosis congenita. Last evaluated: 2022-11-06. Review status: criteria provided, single submitter. Criteria: Invitae Variant Classification Sherloc (09022015). Collection method: clinical testing. Allele origin: germline.
Comment: This variant has not been reported in the literature in individuals affected with NHP2-related conditions. This variant is not present in population databases (gnomAD no frequency). This sequence change replaces glutamic acid, which is acidic and polar, with lysine, which is basic and polar, at codon 66 of the NHP2 protein (p.Glu66Lys). Algorithms developed to predict the effect of missense changes on protein structure and function are either unavailable or do not agree on the potential impact of this missense change (SIFT: "Deleterious"; PolyPhen-2: "Probably Damaging"; Align-GVGD: "Class C0"). In summary, the available evidence is currently insufficient to determine the role of this variant in disease. Therefore, it has been classified as a Variant of Uncertain Significance.